The following is an entry in ClinVar:

NM_002272.4(KRT4):c.122G>A (p.Arg41Gln)

Gene: KRT4 (keratin 4; minus strand). Cytogenetic location: 12q13.13.
Variant type: single nucleotide variant.
Coding change: c.122G>A on transcript NM_002272.4 (MANE Select); coding-DNA position 122, G replaced by A.
Protein change: p.Arg41Gln; replaces arginine 41 with glutamine.
Molecular consequence: missense variant.
Genome position (GRCh38, 1-based): chr12:52,813,937, C>T on the plus strand (G>A on the coding strand, the complement: KRT4 is on the minus strand). VCF-style: chr12-52813937-C-T. GRCh37 (hg19) VCF-style: chr12-53207721-C-T.
Other names: short protein forms R41Q.
Identifiers: ClinVar variation 309712 (VCV000309712.8), dbSNP rs36143766, ClinGen allele CA6588836.

ClinVar aggregate classification (germline): Benign. Review status: criteria provided, multiple submitters, no conflicts (2 of 4 stars). 3 submissions from 3 submitters: Benign (2). 1 of the submissions does not count toward it. Last evaluated 2018-01-12.

Conditions:
White sponge nevus 1. Also called: LEUKOKERATOSIS, HEREDITARY MUCOSAL. Identifiers: MedGen C4011926, MONDO:0008676, OMIM 193900.
KRT4-related disorder. Also called: KRT4-related condition.

Allele frequency attached by ClinVar (database versions not stated): gnomAD exomes 0.00083 and 0.00243; ExAC 0.00298; ESP Exome Variant Server 0.00899; 1000 Genomes Project 0.00978; gnomAD 0.00985 and 0.01050; TOPMed 0.01090; 1000 Genomes Project 30x 0.01265.
gnomAD v4.1: 2,731 of 1,611,766 alleles (0.17%); highest among the groups gnomAD compares: African/African-American, 3.2%; 45 homozygotes.

Submissions (3):

Illumina Laboratory Services, Illumina
Classification: Benign for White sponge nevus 1. Last evaluated: 2018-01-12. Review status: criteria provided, single submitter. Criteria: ICSL Variant Classification Criteria 13 December 2019. Collection method: clinical testing. Allele origin: germline.
Comment: This variant was observed in the ICSL laboratory as part of a predisposition screen in an ostensibly healthy population. It had not been previously curated by ICSL or reported in the Human Gene Mutation Database (HGMD: prior to June 1st, 2018), and was therefore a candidate for classification through an automated scoring system. Utilizing variant allele frequency, disease prevalence and penetrance estimates, and inheritance mode, an automated score was calculated to assess if this variant is too frequent to cause the disease. Based on the score and internal cut-off values, a variant classified as benign is not then subjected to further curation. The score for this variant resulted in a classification of benign for this disease.

Breakthrough Genomics
Classification: Benign. Review status: criteria provided, single submitter. Criteria: ACMG Guidelines, 2015. Collection method: not provided. Allele origin: germline. Inheritance: Autosomal dominant inheritance. Affected: yes.

PreventionGenetics, part of Exact Sciences
Classification: Benign for KRT4-related condition. Last evaluated: 2019-09-25. Review status: no assertion criteria provided. Collection method: clinical testing. Allele origin: germline. Not counted in ClinVar's aggregate classification.
Comment: This variant is classified as benign based on ACMG/AMP sequence variant interpretation guidelines (Richards et al. 2015 PMID: 25741868, with internal and published modifications).